The following is an entry in ClinVar:

NM_000218.3(KCNQ1):c.905C>T (p.Ala302Val)

Gene: KCNQ1 (potassium voltage-gated channel subfamily Q member 1; plus strand). Cytogenetic location: 11p15.5.
Variant type: single nucleotide variant.
Coding change: c.905C>T on transcript NM_000218.3 (MANE Select); coding-DNA position 905, C replaced by T.
Protein change: p.Ala302Val; replaces alanine 302 with valine.
Molecular consequence: missense variant.
Genome position (GRCh38, 1-based): chr11:2,572,970, C>T. VCF-style: chr11-2572970-C-T. GRCh37 (hg19) VCF-style: chr11-2594200-C-T.
Other names: c.905C>T (LRG_287t1); c.905C>T, p.Ala302Val (NM_001406836.1); c.635C>T, p.Ala212Val (NM_001406837.1); c.524C>T, p.Ala175Val (NM_181798.2); short protein forms A175V, A302V, A212V.
Identifiers: ClinVar variation 36439 (VCV000036439.65), dbSNP rs193922365, ClinGen allele CA008587.
Genomic context (GRCh38, chr11:2,572,970, plus strand): 5'-TGGCTGAGAAGGACGCGGTGAACGAGTCAGGCCGCGTGGAGTTCGGCAGCTACGCAGATG[C>T]GCTGTGGTGGGGGGTGGTAAGTCGGAAACTTCCAGGCATGGGGACAGGGGCAGCTCAGGC-3'
Protein context (NP_000209.2, residues 292-312): GRVEFGSYAD[Ala302Val]LWWGVVTVTT

ClinVar aggregate classification (germline): Pathogenic/Likely pathogenic. Review status: criteria provided, multiple submitters, no conflicts (2 of 4 stars). 19 submissions from 19 submitters: Pathogenic (9); Likely pathogenic (6). 4 of the submissions do not count toward it. Last evaluated 2026-08-28.

Conditions:
Atrial fibrillation, familial, 3 (ATFB3). Identifiers: MedGen C1837014, MONDO:0011857, OMIM 607554.
Long QT syndrome 1 (LQT1). Identifiers: Orphanet 101016, Orphanet 768, MedGen C4551647, MONDO:0100316, OMIM 192500, MONDO:0008646.
KCNQ1-related disorder. Also called: KCNQ1-related disorders; KCNQ1-related condition. Identifiers: MedGen CN239322.
Cardiovascular phenotype. Identifiers: MedGen CN230736.
Familial long QT syndrome (RWS). Also called: Romano-Ward syndrome; VENTRICULAR FIBRILLATION WITH PROLONGED QT INTERVAL; Congenital long QT syndrome. Identifiers: Orphanet 768, MedGen C1141890, MONDO:0019171.
Cardiac arrhythmia. Also called: Cardiac rhythm disease; Arrhythmia. Identifiers: MedGen C0003811, MONDO:0007263, HP:0011675.
Long QT syndrome (LQTS). Identifiers: MedGen C0023976, MeSH D008133, MONDO:0002442. Disease mechanism: loss of function. Inheritance: Various modes of inheritance.
Incidental Discovery. Identifiers: MedGen C1135954.

Allele frequency attached by ClinVar (database versions not stated): gnomAD 0.00001; gnomAD exomes 0.00001 and below 0.00001; TOPMed 0.00001; ExAC below 0.00001.
gnomAD v4.1: 14 of 1,613,434 alleles (0.00087%); highest among the groups gnomAD compares: Admixed American, 0.0017%; no homozygotes.

Submissions 1 to 8 of 19:

Molecular Diagnostic Laboratory for Inherited Cardiovascular Disease, Montreal Heart Institute
Classification: Pathogenic for Cardiovascular phenotype. Last evaluated: 2026-08-28. Review status: criteria provided, single submitter. Criteria: ACMG Guidelines, 2015. Collection method: clinical testing. Allele origin: germline. Affected: yes.

Clinical Genetics Laboratory, Skane University Hospital Lund
Classification: Likely pathogenic for Incidental Discovery. Last evaluated: 2026-02-12. Review status: criteria provided, single submitter. Criteria: ACMG Guidelines, 2015. Collection method: clinical testing. Allele origin: germline.
Comment: Classified using ClinGen Potassium Channel Arrhythmia Expert Panel Specifications to the ACMG/AMP Variant Interpretation Guidelines for KCNQ1 Version 1.0.0: PS3_moderate, PS4_moderate, PM1, PM2_supporting, PM3 and PP3.

Ambry Genetics
Classification: Pathogenic for Cardiovascular phenotype. Last evaluated: 2025-11-17. Review status: criteria provided, single submitter. Criteria: Ambry Variant Classification Scheme 2023. Collection method: clinical testing. Allele origin: germline.
Comment: The p.A302V pathogenic mutation (also known as c.905C>T), located in coding exon 6 of the KCNQ1 gene, results from a C to T substitution at nucleotide position 905. The alanine at codon 302 is replaced by valine, an amino acid with similar properties. This variant was reported in the heterozygous state in individual(s) with features consistent with long QT syndrome, and has been identified in the homozygous state and/or in conjunction with other KCNQ1 variant(s) in individual(s) with features consistent with Jervell and Lange-Nielsen syndrome (Wang C et al. Acta Otolaryngol., 2017 May;137:522-528; Choi G et al. Circulation, 2004 Oct;110:2119-24; Tester DJ et al. Heart Rhythm, 2005 May;2:507-17; Chung SK et al. Heart Rhythm, 2007 Oct;4:1306-14; Kapplinger JD et al. Heart Rhythm, 2009 Sep;6:1297-303; Olesen MS et al. Heart Rhythm, 2014 Feb;11:246-51; Schwartz PJ et al. Eur Heart J. 2021 Dec;42(46):4743-4755). In assays testing KCNQ1 function, this variant showed a functionally abnormal result (Yang T et al. Circ Arrhythm Electrophysiol, 2009 Aug;2:417-26; Steffensen AB et al. J. Cardiovasc. Electrophysiol., 2015 Jul;26:715-23). This amino acid position is highly conserved in available vertebrate species. In addition, this alteration is predicted to be deleterious by in silico analysis. Based on the supporting evidence, this variant is interpreted as a disease-causing mutation.

Labcorp Genetics (formerly Invitae), Labcorp
Classification: Pathogenic for Long QT syndrome. Last evaluated: 2025-10-10. Review status: criteria provided, single submitter. Criteria: Invitae Variant Classification Sherloc (09022015). Collection method: clinical testing. Allele origin: germline.
Comment: This sequence change replaces alanine, which is neutral and non-polar, with valine, which is neutral and non-polar, at codon 302 of the KCNQ1 protein (p.Ala302Val). The frequency data for this variant in the population databases is considered unreliable, as metrics indicate poor data quality at this position in the gnomAD database. This missense change has been observed in individual(s) with Jervell and Lange-Nielsen syndrome and/or long QT syndrome (PMID: 17905336, 25786344, 27917693). In at least one individual the data is consistent with being in trans (on the opposite chromosome) from a pathogenic variant. ClinVar contains an entry for this variant (Variation ID: 36439). Invitae Evidence Modeling of protein sequence and biophysical properties (such as structural, functional, and spatial information, amino acid conservation, physicochemical variation, residue mobility, and thermodynamic stability) indicates that this missense variant is expected to disrupt KCNQ1 protein function with a positive predictive value of 95%. Experimental studies have shown that this missense change affects KCNQ1 function (PMID: 19808498, 25786344). For these reasons, this variant has been classified as Pathogenic.

Variantyx, Inc.
Classification: Pathogenic for Long QT syndrome 1. Last evaluated: 2025-05-11. Review status: criteria provided, single submitter. Criteria: Variantyx Assertion Criteria 2022. Collection method: clinical testing. Allele origin: germline. Inheritance: Autosomal dominant inheritance. Affected: yes.
Comment: This is a nonsynonymous variant in the KCNQ1 gene (OMIM: 607542). Pathogenic variants in this gene have been associated with autosomal dominant Long QT syndrome 1. This variant has been reported in at least 4 unrelated affected individual(s) (PMID: 19808498, 24144883, 38740897, 22311567) (PS4_Moderate). This variant has also been reported in the compound heterozygous state in 1 affected individual(s) with autosomal recessive Jervell and Lange-Nielsen syndrome (PMID 27917693). Functional studies have shown that this variant alters KCNQ1 protein function (PMID: 19808498, 25786344) (PS3). Alternate amino acid change(s) at this position (p.Ala302Glu) have been previously reported in similarly affected individuals, which suggests that this residue is biologically important

Blueprint Genetics
Classification: Likely pathogenic for KCNQ1-related disorders. Last evaluated: 2024-10-14. Review status: criteria provided, single submitter. Criteria: ACMG Guidelines, 2015. Collection method: clinical testing. Allele origin: germline. Affected: yes. Observed: 4 variant alleles.

Color Diagnostics, LLC DBA Color Health
Classification: Likely pathogenic for Cardiac arrhythmia. Last evaluated: 2024-10-07. Review status: criteria provided, single submitter. Criteria: ACMG Guidelines, 2015. Collection method: clinical testing. Allele origin: germline.
Comment: This missense variant replaces alanine with valine at codon 302 of the KCNQ1 protein. Computational prediction suggests that this variant may have deleterious impact on protein structure and function. This variant is found within a highly conserved pore-forming region (a.a. 300-320). Rare nontruncating variants in this region have been shown to be significantly overrepresented in individuals with long QT syndrome (PMID: 32893267). A functional study has shown that this variant disrupts potassium channel function (PMID: 19808498). This variant has been reported in several individuals affected with long QT syndrome (PMID: 15840476, 17905336, 22456477, 24606995), in an individual affected with sudden explained death (PMID: 15466642), and in an individual with atrial fibrillation (PMID: 24144883). This variant has been observed in compound heterozygous state with a known pathogenic KCNQ1 variant in an individual affected with autosomal recessive Jervell and Lange-Nielsen syndrome (PMID: 27917693), indicating that this variant contributes to disease. This variant has been identified in 1/249650 chromosomes in the general population by the Genome Aggregation Database (gnomAD). Based on the available evidence, this variant is classified as Likely Pathogenic.

New York Genome Center
Classification: Pathogenic for Long QT syndrome 1; Atrial fibrillation, familial, 3. Last evaluated: 2024-09-12. Review status: criteria provided, single submitter. Criteria: NYGC Assertion Criteria 2020. Collection method: clinical testing. Allele origin: inherited. Observed: 1 variant allele, 1 heterozygote.
Comment: The inherited heterozygous c.905C>T variant has been reported in multiple individuals with Long QT syndrome, sudden explained death, Addison’s disease with prolonged QTc interval, and atrial fibrillation [PMID:15466642,17905336,22456477,24606995,15466642,22311567, 24144883, 25786344], and in compound heterozygous state in an individual with Jervell and Lange-Nielsen syndrome [PMID: 27917693]. The c.905C>T variant has been deposited in ClinVar [ClinVar ID: 36439] as a Pathogenic and Likely pathogenic by multiple submitters. The c.905C>T variant is observed in 20 alleles (0.000950% minor allele frequency with 0 homozygotes) in the population databases (gnomADv4.1.0, All of US), suggesting it is not a common benign variant in the populations represented in that database. The c.905C>T variant in KCNQ1 is located in exon 6 of this 16-exon gene and is predicted to replace a moderately conserved alanine amino acid with valine at position 302 in the pore-forming region of the encoded protein [PMID: 24606995]. In silico predictions are in favor of damaging effect for the p.(Ala302Val) variant [REVEL=0.932]. Functional studies have shown a significant reduction in channel currents and abnormal protein trafficking of the KCNQ1 protein [PMID:25786344,19808498]. A different missense variant p.(Ala302Glu) affecting the same amino acid has been reported in the literature [PMID: 19716085] and in ClinVar as a Pathogenic and Likely Pathogenic with LQTS [ClinVar ID: 67121]. A different missense variant p.(Ala302Thr) affecting the same amino acid has been reported in the literature with LQTS [PMID: 16414944, 34505893]. Based on available evidence the maternally inherited heterozygous c.905C>T, p.(Ala302Val) variant in the KCNQ1 is classified as Pathogenic.